The following is an entry in ClinVar:

NM_000383.4(AIRE):c.748A>G (p.Ser250Gly)

Gene: AIRE (autoimmune regulator; plus strand). Cytogenetic location: 21q22.3.
Variant type: single nucleotide variant.
Coding change: c.748A>G on transcript NM_000383.4 (MANE Select); coding-DNA position 748, A replaced by G.
Protein change: p.Ser250Gly; replaces serine 250 with glycine.
Molecular consequence: missense variant.
Genome position (GRCh38, 1-based): chr21:44,289,752, A>G. VCF-style: chr21-44289752-A-G. GRCh37 (hg19) VCF-style: chr21-45709635-A-G.
Other names: short protein forms S250G.
Identifiers: ClinVar variation 3103160 (VCV003103160.3), dbSNP rs141480813, ClinGen allele CA410424504.
Genomic context (GRCh38, chr21:44,289,752, plus strand): 5'-TTCTACACTCCCAGCAAGTTCGAAGACTCCGGCAGTGGGAAGAACAAGGCCCGCAGCAGC[A>G]GTGGCCCGAAGCCTCTGGTTCGAGCCAAGGGAGCCCAGGGCGCTGCCCCCGTAAGCACCT-3'
Protein context (NP_000374.1, residues 240-260): GSGKNKARSS[Ser250Gly]GPKPLVRAKG

ClinVar aggregate classification (germline): Conflicting classifications of pathogenicity. Review status: criteria provided, conflicting classifications (1 of 4 stars). 2 submissions from 2 submitters: Uncertain significance (1); Likely benign (1). Last evaluated 2024-11-26.

Conditions:
Inborn genetic diseases. Identifiers: MedGen C0950123, MeSH D030342.
Polyglandular autoimmune syndrome, type 1 (APS1). Also called: AUTOIMMUNE POLYENDOCRINE SYNDROME, TYPE I, WITH OR WITHOUT REVERSIBLE METAPHYSEAL DYSPLASIA; APS I; HYPOADRENOCORTICISM WITH HYPOPARATHYROIDISM AND SUPERFICIAL MONILIASIS; PGA I; Autoimmune polyendocrine syndrome type 1; Whitaker syndrome. Identifiers: Orphanet 3453, MedGen C0085859, MONDO:0009411, OMIM 240300.

gnomAD v4.1: 1 of 1,612,814 alleles (0.000062%); highest among the groups gnomAD compares: East Asian, 0.0022%; no homozygotes.

Submissions (2):

Labcorp Genetics (formerly Invitae), Labcorp
Classification: Uncertain significance for Polyglandular autoimmune syndrome, type 1. Last evaluated: 2024-11-26. Review status: criteria provided, single submitter. Criteria: Invitae Variant Classification Sherloc (09022015). Collection method: clinical testing. Allele origin: germline.
Comment: This sequence change replaces serine, which is neutral and polar, with glycine, which is neutral and non-polar, at codon 250 of the AIRE protein (p.Ser250Gly). This variant is not present in population databases (gnomAD no frequency). This variant has not been reported in the literature in individuals affected with AIRE-related conditions. ClinVar contains an entry for this variant (Variation ID: 3103160). Invitae Evidence Modeling of protein sequence and biophysical properties (such as structural, functional, and spatial information, amino acid conservation, physicochemical variation, residue mobility, and thermodynamic stability) indicates that this missense variant is not expected to disrupt AIRE protein function with a negative predictive value of 95%. In summary, the available evidence is currently insufficient to determine the role of this variant in disease. Therefore, it has been classified as a Variant of Uncertain Significance.

Ambry Genetics
Classification: Likely benign for Inborn genetic diseases. Last evaluated: 2024-02-27. Review status: criteria provided, single submitter. Criteria: Ambry Variant Classification Scheme 2023. Collection method: clinical testing. Allele origin: germline.